The following is an entry in ClinVar:

ClinVar aggregate classification (germline): Uncertain significance. Review status: criteria provided, multiple submitters, no conflicts (2 of 4 stars). 2 submissions from 2 submitters: Uncertain significance (2). Last evaluated 2025-12-29.

Submissions (2):

GeneDx
Classification: Uncertain significance. Last evaluated: 2025-12-29. Review status: criteria provided, single submitter. Criteria: GeneDx Variant Classification Process June 2021. Collection method: clinical testing. Allele origin: germline.
Comment: Not observed at significant frequency in large population cohorts (gnomAD); In silico analysis supports that this missense variant has a deleterious effect on protein structure/function; Has not been previously published as pathogenic or benign to our knowledge

Athena Diagnostics
Classification: Uncertain significance. Last evaluated: 2025-02-04. Review status: criteria provided, single submitter. Criteria: Athena Diagnostics Criteria. Collection method: clinical testing. Allele origin: unknown.
Comment: Available data are insufficient to determine the clinical significance of the variant at this time. This variant has not been reported in large, multi-ethnic general populations. Polyphen and MutationTaster predict this amino acid change may be damaging to the protein.

NM_000451.4(SHOX):c.857A>C (p.His286Pro)

Gene: SHOX (SHOX homeobox; plus strand). Cytogenetic location: Xp22.33.
Variant type: single nucleotide variant.
Coding change: c.857A>C on transcript NM_000451.4 (MANE Select); coding-DNA position 857, A replaced by C.
Protein change: p.His286Pro; replaces histidine 286 with proline.
Molecular consequence: missense variant. On other transcripts: intron variant (1).
Genome position (GRCh38, 1-based): chrX:644,614, A>C. VCF-style: chrX-644614-A-C. GRCh37 (hg19) VCF-style: chrX-605349-A-C.
Other names: c.633+3527A>C (NM_006883.2); short protein forms H286P.
Identifiers: ClinVar variation 4282114 (VCV004282114.3).